The following is an entry in ClinVar:

NM_001378452.1(ITPR1):c.279+4C>G

Gene: ITPR1 (inositol 1,4,5-trisphosphate receptor type 1; plus strand). Cytogenetic location: 3p26.1.
Variant type: single nucleotide variant.
Coding change: c.279+4C>G on transcript NM_001378452.1 (MANE Select); 4 bases into the intron after coding-DNA position 279, C replaced by G.
Molecular consequence: intron variant.
Genome position (GRCh38, 1-based): chr3:4,627,882, C>G. VCF-style: chr3-4627882-C-G. GRCh37 (hg19) VCF-style: chr3-4669566-C-G.
Other names: c.279+4C>G (NM_001099952.4, NM_001168272.2, NM_002222.7).
Identifiers: ClinVar variation 2662380 (VCV002662380.3), dbSNP rs764519723, ClinGen allele CA2695197719.

ClinVar aggregate classification (germline): Uncertain significance. Review status: criteria provided, multiple submitters, no conflicts (2 of 4 stars). 2 submissions from 2 submitters: Uncertain significance (2). Last evaluated 2025-03-11.

Submissions (2):

Labcorp Genetics (formerly Invitae), Labcorp
Classification: Uncertain significance. Last evaluated: 2025-03-11. Review status: criteria provided, single submitter. Criteria: Invitae Variant Classification Sherloc (09022015). Collection method: clinical testing. Allele origin: germline.
Comment: This sequence change falls in intron 5 of the ITPR1 gene. It does not directly change the encoded amino acid sequence of the ITPR1 protein. It affects a nucleotide within the consensus splice site. This variant is not present in population databases (gnomAD no frequency). This variant has not been reported in the literature in individuals affected with ITPR1-related conditions. ClinVar contains an entry for this variant (Variation ID: 2662380). Variants that disrupt the consensus splice site are a relatively common cause of aberrant splicing (PMID: 17576681, 9536098). Algorithms developed to predict the effect of sequence changes on RNA splicing suggest that this variant is not likely to affect RNA splicing. In summary, the available evidence is currently insufficient to determine the role of this variant in disease. Therefore, it has been classified as a Variant of Uncertain Significance.

GeneDx
Classification: Uncertain significance. Last evaluated: 2023-05-17. Review status: criteria provided, single submitter. Criteria: GeneDx Variant Classification Process June 2021. Collection method: clinical testing. Allele origin: germline. Affected: yes.
Comment: Not observed at significant frequency in large population cohorts (gnomAD); Has not been previously published as pathogenic or benign to our knowledge; In silico analysis suggests this variant may impact gene splicing. In the absence of RNA/functional studies, the actual effect of this sequence change is unknown.

Literature cited by the submitters: PubMed 17576681 (cited by Labcorp Genetics (formerly Invitae), Labcorp); PubMed 9536098 (cited by Labcorp Genetics (formerly Invitae), Labcorp).